The following is an entry in ClinVar:

ClinVar aggregate classification (germline): Uncertain significance. Review status: criteria provided, multiple submitters, no conflicts (2 of 4 stars). 2 submissions from 2 submitters: Uncertain significance (2). Last evaluated 2026-04-01.

Conditions:
Inborn genetic diseases. Identifiers: MedGen C0950123, MeSH D030342.

gnomAD v4.1: 10 of 1,521,996 alleles (0.00066%); highest among the groups gnomAD compares: Non-Finnish European, 0.00088%; no homozygotes.

Submissions (2):

Ambry Genetics
Classification: Uncertain significance for Inborn genetic diseases. Last evaluated: 2026-04-01. Review status: criteria provided, single submitter. Criteria: Ambry Variant Classification Scheme 2023. Collection method: clinical testing. Allele origin: germline.
Comment: The c.77C>T (p.A26V) alteration is located in exon 1 (coding exon 1) of the MNX1 gene. This alteration results from a C to T substitution at nucleotide position 77, causing the alanine (A) at amino acid position 26 to be replaced by a valine (V). Based on data from gnomAD, the T allele has an overall frequency of <0.001% (0/156268) total alleles studied. The highest observed frequency was <0.001% (/) of alleles. Based on insufficient or conflicting evidence, the clinical significance of this alteration remains unclear.

Labcorp Genetics (formerly Invitae), Labcorp
Classification: Uncertain significance. Last evaluated: 2024-08-20. Review status: criteria provided, single submitter. Criteria: Invitae Variant Classification Sherloc (09022015). Collection method: clinical testing. Allele origin: germline.
Comment: This sequence change replaces alanine, which is neutral and non-polar, with valine, which is neutral and non-polar, at codon 26 of the MNX1 protein (p.Ala26Val). This variant is not present in population databases (gnomAD no frequency). This variant has not been reported in the literature in individuals affected with MNX1-related conditions. Invitae Evidence Modeling of protein sequence and biophysical properties (such as structural, functional, and spatial information, amino acid conservation, physicochemical variation, residue mobility, and thermodynamic stability) indicates that this missense variant is not expected to disrupt MNX1 protein function with a negative predictive value of 80%. In summary, the available evidence is currently insufficient to determine the role of this variant in disease. Therefore, it has been classified as a Variant of Uncertain Significance.

NM_005515.4(MNX1):c.77C>T (p.Ala26Val)

Gene: MNX1 (motor neuron and pancreas homeobox 1; minus strand). Cytogenetic location: 7q36.3.
Variant type: single nucleotide variant.
Coding change: c.77C>T on transcript NM_005515.4 (MANE Select); coding-DNA position 77, C replaced by T.
Protein change: p.Ala26Val; replaces alanine 26 with valine.
Molecular consequence: missense variant.
Genome position (GRCh38, 1-based): chr7:157,010,274, G>A on the plus strand (C>T on the coding strand, the complement: MNX1 is on the minus strand). VCF-style: chr7-157010274-G-A. GRCh37 (hg19) VCF-style: chr7-156802968-G-A.
Other names: c.77C>T (NM_005515.3); short protein forms A26V.
Identifiers: ClinVar variation 3687725 (VCV003687725.3).
Genomic context (GRCh38, chr7:157,010,274, plus strand): 5'-CCGCCGCCACCTCCGGTGCCAGATGCGGCGGCGGCGAGCGACGTGACCAAGGCCAGCGGC[G>A]CGCTCTGCGCAGAGGCGGCTCGTGGGGGGTCCACCGCCAGCAGGGCGTCGATGCGGAAAT-3'
Protein context (NP_005506.3, residues 16-36): DPPRAASAQS[Ala26Val]PLALVTSLAA